The following is an entry in ClinVar:

NM_004655.4(AXIN2):c.2348C>G (p.Ala783Gly)

Gene: AXIN2 (axin 2; minus strand). Cytogenetic location: 17q24.1.
Variant type: single nucleotide variant.
Coding change: c.2348C>G on transcript NM_004655.4 (MANE Select); coding-DNA position 2348, C replaced by G.
Protein change: p.Ala783Gly; replaces alanine 783 with glycine.
Molecular consequence: missense variant.
Genome position (GRCh38, 1-based): chr17:65,533,969, G>C on the plus strand (C>G on the coding strand, the complement: AXIN2 is on the minus strand). VCF-style: chr17-65533969-G-C. GRCh37 (hg19) VCF-style: chr17-63530087-G-C.
Other names: c.2153C>G, p.Ala718Gly (NM_001363813.1); short protein forms A718G, A783G.
Identifiers: ClinVar variation 949399 (VCV000949399.12), dbSNP rs1484466355, ClinGen allele CA400675445.

ClinVar aggregate classification (germline): Uncertain significance. Review status: criteria provided, multiple submitters, no conflicts (2 of 4 stars). 2 submissions from 2 submitters: Uncertain significance (2). Last evaluated 2025-10-27.

Conditions:
Oligodontia-cancer predisposition syndrome. Also called: TOOTH AGENESIS-COLORECTAL CANCER SYNDROME. Identifiers: Orphanet 300576, MedGen C1837750, MONDO:0012075, OMIM 608615. Disease mechanism: loss of function.
Hereditary cancer-predisposing syndrome. Also called: Hereditary neoplastic syndrome; Neoplastic Syndromes, Hereditary; Tumor predisposition; Hereditary Cancer Syndrome. Identifiers: Orphanet 140162, MedGen C0027672, MeSH D009386, MONDO:0015356.

Allele frequency attached by ClinVar (database versions not stated): TOPMed below 0.00001.
gnomAD v4.1: 1 of 1,614,084 alleles (0.000062%); highest among the groups gnomAD compares: African/African-American, 0.0013%; no homozygotes.

Submissions (2):

Labcorp Genetics (formerly Invitae), Labcorp
Classification: Uncertain significance for Oligodontia-cancer predisposition syndrome. Last evaluated: 2025-10-27. Review status: criteria provided, single submitter. Criteria: Invitae Variant Classification Sherloc (09022015). Collection method: clinical testing. Allele origin: germline.
Comment: This sequence change replaces alanine, which is neutral and non-polar, with glycine, which is neutral and non-polar, at codon 783 of the AXIN2 protein (p.Ala783Gly). This variant is not present in population databases (gnomAD no frequency). This variant has not been reported in the literature in individuals affected with AXIN2-related conditions. ClinVar contains an entry for this variant (Variation ID: 949399). Invitae Evidence Modeling of protein sequence and biophysical properties (such as structural, functional, and spatial information, amino acid conservation, physicochemical variation, residue mobility, and thermodynamic stability) indicates that this missense variant is not expected to disrupt AXIN2 protein function with a negative predictive value of 80%. In summary, the available evidence is currently insufficient to determine the role of this variant in disease. Therefore, it has been classified as a Variant of Uncertain Significance.

Ambry Genetics
Classification: Uncertain significance for Hereditary cancer-predisposing syndrome. Last evaluated: 2023-09-18. Review status: criteria provided, single submitter. Criteria: Ambry Variant Classification Scheme 2023. Collection method: clinical testing. Allele origin: germline.
Comment: The p.A783G variant (also known as c.2348C>G), located in coding exon 9 of the AXIN2 gene, results from a C to G substitution at nucleotide position 2348. The alanine at codon 783 is replaced by glycine, an amino acid with similar properties. This amino acid position is conserved. In addition, this alteration is predicted to be tolerated by in silico analysis. Since supporting evidence is limited at this time, the clinical significance of this alteration remains unclear.